The following is an entry in ClinVar:

ClinVar aggregate classification (germline): Likely benign (1 of 4 stars; one submission).

gnomAD v4.1: 1 of 1,613,820 alleles (0.000062%); no homozygotes.

Submission:

GeneDx
Classification: Likely benign. Last evaluated: 2017-04-20. Review status: criteria provided, single submitter. Criteria: GeneDx Variant Classification (06012015). Collection method: clinical testing. Allele origin: germline. Affected: yes.
Comment: This variant is considered likely benign or benign based on one or more of the following criteria: it is a conservative change, it occurs at a poorly conserved position in the protein, it is predicted to be benign by multiple in silico algorithms, and/or has population frequency not consistent with disease.

NM_001321075.3(DLG4):c.1084-10C>G

Genes: DLG4 (discs large MAGUK scaffold protein 4; minus strand), LOC126862479 (MED14-independent group 3 enhancer GRCh37_chr17:7099412-7100611; plus strand). Cytogenetic location: 17p13.1.
Variant type: single nucleotide variant.
Coding change: c.1084-10C>G on transcript NM_001321075.3 (MANE Select); 10 bases into the intron before coding-DNA position 1084, C replaced by G.
Molecular consequence: intron variant.
Genome position (GRCh38, 1-based): chr17:7,196,585, G>C on the plus strand (C>G on the coding strand, the complement: DLG4 is on the minus strand). VCF-style: chr17-7196585-G-C. GRCh37 (hg19) VCF-style: chr17-7099904-G-C.
Other names: c.1213-10C>G (NM_001365.5); c.1075-10C>G (NM_001128827.4); c.1003-10C>G (NM_001369566.3); c.904-10C>G (NM_001321077.3, NM_001321076.3); c.1204-10C>G (NM_001321074.1).
Identifiers: ClinVar variation 508877 (VCV000508877.1), dbSNP rs1364324227, ClinGen allele CA658798702.